The following is an entry in ClinVar:

ClinVar aggregate classification (germline): Uncertain significance (1 of 4 stars; one submission).

Allele frequency attached by ClinVar (database versions not stated): gnomAD 0.00001.
gnomAD v4.1: 1 of 1,605,484 alleles (0.000062%); highest among the groups gnomAD compares: Admixed American, 0.0017%; no homozygotes.

Submission:

Labcorp Genetics (formerly Invitae), Labcorp
Classification: Uncertain significance. Last evaluated: 2022-08-06. Review status: criteria provided, single submitter. Criteria: Invitae Variant Classification Sherloc (09022015). Collection method: clinical testing. Allele origin: germline.
Comment: In summary, the available evidence is currently insufficient to determine the role of this variant in disease. Therefore, it has been classified as a Variant of Uncertain Significance. Algorithms developed to predict the effect of missense changes on protein structure and function are either unavailable or do not agree on the potential impact of this missense change (SIFT: "Deleterious"; PolyPhen-2: "Probably Damaging"; Align-GVGD: "Class C0"). This variant has not been reported in the literature in individuals affected with DZIP1L-related conditions. This variant is present in population databases (no rsID available, gnomAD 0.1%). This sequence change replaces leucine, which is neutral and non-polar, with proline, which is neutral and non-polar, at codon 682 of the DZIP1L protein (p.Leu682Pro).

NM_173543.3(DZIP1L):c.2045T>C (p.Leu682Pro)

Gene: DZIP1L (DAZ interacting zinc finger protein 1 like; minus strand). Cytogenetic location: 3q22.3.
Variant type: single nucleotide variant.
Coding change: c.2045T>C on transcript NM_173543.3 (MANE Select); coding-DNA position 2045, T replaced by C.
Protein change: p.Leu682Pro; replaces leucine 682 with proline.
Molecular consequence: missense variant.
Genome position (GRCh38, 1-based): chr3:138,064,725, A>G on the plus strand (T>C on the coding strand, the complement: DZIP1L is on the minus strand). VCF-style: chr3-138064725-A-G. GRCh37 (hg19) VCF-style: chr3-137783567-A-G.
Other names: short protein forms L682P.
Identifiers: ClinVar variation 1961418 (VCV001961418.5), dbSNP rs1472123809, ClinGen allele CA354661937.